The following is an entry in ClinVar:

NM_199420.4(POLQ):c.6571C>T (p.His2191Tyr)

Gene: POLQ (DNA polymerase theta; minus strand). Cytogenetic location: 3q13.33.
Variant type: single nucleotide variant.
Coding change: c.6571C>T on transcript NM_199420.4 (MANE Select); coding-DNA position 6571, C replaced by T.
Protein change: p.His2191Tyr; replaces histidine 2191 with tyrosine.
Molecular consequence: missense variant.
Genome position (GRCh38, 1-based): chr3:121,472,137, G>A on the plus strand (C>T on the coding strand, the complement: POLQ is on the minus strand). VCF-style: chr3-121472137-G-A. GRCh37 (hg19) VCF-style: chr3-121190984-G-A.
Other names: short protein forms H2191Y.
Identifiers: ClinVar variation 1754249 (VCV001754249.2), dbSNP rs2546773547, ClinGen allele CA354085575.

ClinVar aggregate classification (germline): Uncertain significance (1 of 4 stars; one submission).

Allele frequency attached by ClinVar (database versions not stated): gnomAD exomes below 0.00001.
gnomAD v4.1: 1 of 1,524,052 alleles (0.000066%); highest among the groups gnomAD compares: Non-Finnish European, 0.00009%; no homozygotes.

Submission:

Ambry Genetics
Classification: Uncertain significance. Last evaluated: 2022-09-03. Review status: criteria provided, single submitter. Criteria: Ambry Variant Classification Scheme 2023. Collection method: clinical testing. Allele origin: germline.
Comment: The p.H2191Y variant (also known as c.6571C>T), located in coding exon 22 of the POLQ gene, results from a C to T substitution at nucleotide position 6571. The histidine at codon 2191 is replaced by tyrosine, an amino acid with similar properties. This amino acid position is conserved. In addition, the in silico prediction for this alteration is inconclusive. Since supporting evidence is limited at this time, the clinical significance of this alteration remains unclear.